The following is an entry in ClinVar:

NM_000371.4(TTR):c.212A>C (p.Glu71Ala)

Gene: TTR (transthyretin; plus strand). Cytogenetic location: 18q12.1.
Variant type: single nucleotide variant.
Coding change: c.212A>C on transcript NM_000371.4 (MANE Select); coding-DNA position 212, A replaced by C.
Protein change: p.Glu71Ala; replaces glutamic acid 71 with alanine.
Molecular consequence: missense variant.
Genome position (GRCh38, 1-based): chr18:31,595,131, A>C. VCF-style: chr18-31595131-A-C. GRCh37 (hg19) VCF-style: chr18-29175094-A-C.
Other names: short protein forms E71A.
Identifiers: ClinVar variation 1786362 (VCV001786362.7), dbSNP rs1335700058, ClinGen allele CA402156910.
Genomic context (GRCh38, chr18:31,595,131, plus strand): 5'-CATTTGTTTCCTCCATGCGTAACTTAATCCAGACTTTCACACCTTATAGGAAAACCAGTG[A>C]GTCTGGAGAGCTGCATGGGCTCACAACTGAGGAGGAATTTGTAGAAGGGATATACAAAGT-3'
Protein context (NP_000362.1, residues 61-81): WEPFASGKTS[Glu71Ala]SGELHGLTTE

ClinVar aggregate classification (germline): Uncertain significance. Review status: criteria provided, multiple submitters, no conflicts (2 of 4 stars). 2 submissions from 2 submitters: Uncertain significance (2). Last evaluated 2022-06-16.

Conditions:
Cardiovascular phenotype. Identifiers: MedGen CN230736.
Amyloidosis, hereditary systemic 1 (AMYLD1). Also called: Hereditary oculoleptomeningeal amyloid angiopathy; Familial Transthyretin Amyloidosis; Hereditary Transthyretin Amyloidosis; Isolated Cardiac Amyloidosis; Amyloid Cardiomyopathy, Transthyretin-related; Familial amyloid polyneuropathy. Identifiers: Orphanet 85447, Orphanet 85451, MedGen C2751492, MONDO:0971004, OMIM 105210.

Allele frequency attached by ClinVar (database versions not stated): gnomAD 0.00001.
gnomAD v4.1: 1 of 1,614,018 alleles (0.000062%); highest among the groups gnomAD compares: African/African-American, 0.0013%; no homozygotes.

Submissions (2):

Labcorp Genetics (formerly Invitae), Labcorp
Classification: Uncertain significance for Amyloidosis, hereditary systemic 1. Last evaluated: 2022-06-16. Review status: criteria provided, single submitter. Criteria: Invitae Variant Classification Sherloc (09022015). Collection method: clinical testing. Allele origin: germline.
Comment: In summary, the available evidence is currently insufficient to determine the role of this variant in disease. Therefore, it has been classified as a Variant of Uncertain Significance. Algorithms developed to predict the effect of missense changes on protein structure and function are either unavailable or do not agree on the potential impact of this missense change (SIFT: "Not Available"; PolyPhen-2: "Benign"; Align-GVGD: "Not Available"). This variant has not been reported in the literature in individuals affected with TTR-related conditions. This variant is present in population databases (no rsID available, gnomAD 0.01%). This sequence change replaces glutamic acid, which is acidic and polar, with alanine, which is neutral and non-polar, at codon 71 of the TTR protein (p.Glu71Ala).

Ambry Genetics
Classification: Uncertain significance for Cardiovascular phenotype. Last evaluated: 2020-08-19. Review status: criteria provided, single submitter. Criteria: Ambry Variant Classification Scheme 2023. Collection method: clinical testing. Allele origin: germline.
Comment: The p.E71A variant (also known as c.212A>C), located in coding exon 3 of the TTR gene, results from an A to C substitution at nucleotide position 212. The glutamic acid at codon 71 is replaced by alanine, an amino acid with dissimilar properties. This amino acid position is well conserved in available vertebrate species; however, alanine is the reference amino acid in other vertebrate species. In addition, the in silico prediction for this alteration is inconclusive. Since supporting evidence is limited at this time, the clinical significance of this alteration remains unclear.

Literature cited by the submitters: PubMed 30683924 (cited by Ambry Genetics).